The following is an entry in ClinVar:

NM_001447.3(FAT2):c.1963A>G (p.Asn655Asp)

Gene: FAT2 (FAT atypical cadherin 2; minus strand). Cytogenetic location: 5q33.1.
Variant type: single nucleotide variant.
Coding change: c.1963A>G on transcript NM_001447.3 (MANE Select); coding-DNA position 1963, A replaced by G.
Protein change: p.Asn655Asp; replaces asparagine 655 with aspartic acid.
Molecular consequence: missense variant.
Genome position (GRCh38, 1-based): chr5:151,566,969, T>C on the plus strand (A>G on the coding strand, the complement: FAT2 is on the minus strand). VCF-style: chr5-151566969-T-C. GRCh37 (hg19) VCF-style: chr5-150946530-T-C.
Other names: short protein forms N655D.
Identifiers: ClinVar variation 3848985 (VCV003848985.2).

ClinVar aggregate classification (germline): Uncertain significance. Review status: criteria provided, multiple submitters, no conflicts (2 of 4 stars). 2 submissions from 2 submitters: Uncertain significance (2). Last evaluated 2025-07-08.

Conditions:
FAT2-related disorder. Also called: FAT2-related condition.

gnomAD v4.1: 28 of 1,614,126 alleles (0.0017%); highest among the groups gnomAD compares: African/African-American, 0.036%; no homozygotes.

Submissions (2):

PreventionGenetics, part of Exact Sciences
Classification: Uncertain significance for FAT2-related condition. Last evaluated: 2025-07-08. Review status: criteria provided, single submitter. Criteria: ACMG Guidelines, 2015. Collection method: clinical testing. Allele origin: germline.
Comment: The FAT2 c.1963A>G variant is predicted to result in the amino acid substitution p.Asn655Asp. To our knowledge, this variant has not been reported in the literature. This variant is reported in 0.056% of alleles in individuals of African descent in gnomAD. At this time, the clinical significance of this variant is uncertain due to the absence of conclusive functional and genetic evidence.

Ambry Genetics
Classification: Uncertain significance. Last evaluated: 2025-01-21. Review status: criteria provided, single submitter. Criteria: Ambry Variant Classification Scheme 2023. Collection method: clinical testing. Allele origin: germline.